The following is an entry in ClinVar:

ClinVar aggregate classification (germline): Pathogenic (1 of 4 stars; one submission).

Conditions:
Neurofibromatosis, type 1 (NF1). Also called: Peripheral type neurofibromatosis; VON RECKLINGHAUSEN DISEASE; Neurofibromatosis, type I; NEUROFIBROMATOSIS, TYPE I, SOMATIC. Identifiers: Orphanet 636, MedGen C0027831, MONDO:0018975, OMIM 162200. Disease mechanism: loss of function.

Submission:

Labcorp Genetics (formerly Invitae), Labcorp
Classification: Pathogenic for Neurofibromatosis, type 1. Last evaluated: 2025-06-27. Review status: criteria provided, single submitter. Criteria: Invitae Variant Classification Sherloc (09022015). Collection method: clinical testing. Allele origin: germline.
Comment: This sequence change creates a premature translational stop signal (p.Glu1330Alafs*12) in the NF1 gene. It is expected to result in an absent or disrupted protein product. Loss-of-function variants in NF1 are known to be pathogenic (PMID: 10712197, 23913538). This variant is not present in population databases (gnomAD no frequency). This premature translational stop signal has been observed in individual(s) with neurofibromatosis type 1 (PMID: 31766501). For these reasons, this variant has been classified as Pathogenic.

Literature cited by the submitters: PubMed 10712197; PubMed 23913538; PubMed 31766501.

NM_001042492.3(NF1):c.3989_3992del (p.Glu1330fs)

Gene: NF1 (neurofibromin 1; plus strand). Cytogenetic location: 17q11.2.
Variant type: Microsatellite.
Coding change: c.3989_3992del on transcript NM_001042492.3 (MANE Select); coding-DNA positions 3989 to 3992, 4 bases deleted (AGAG; older notation c.3989_3992delAGAG).
Protein change: p.Glu1330fs; shifts the reading frame from glutamic acid 1330.
Molecular consequence: frameshift variant.
Genome position (GRCh38, 1-based): chr17:31,248,998-31,249,001, AGAG deleted; deleting any 4 consecutive bases within chr17:31,248,996-31,249,001 gives the same sequence; the c. name uses the placement nearest the transcript's 3' end. VCF-style (leftmost placement, unchanged base first): chr17-31248995-CAGAG-C. GRCh37 (hg19) VCF-style: chr17-29576013-CAGAG-C.
Other names: c.3989_3992del, p.Glu1330fs (NM_000267.4); short protein forms E1330fs.
Identifiers: ClinVar variation 4695142 (VCV004695142.1).